The following is an entry in ClinVar:

NM_206933.4(USH2A):c.1909G>A (p.Val637Ile)

Gene: USH2A (usherin; minus strand). Cytogenetic location: 1q41.
Variant type: single nucleotide variant.
Coding change: c.1909G>A on transcript NM_206933.4 (MANE Select); coding-DNA position 1909, G replaced by A.
Protein change: p.Val637Ile; replaces valine 637 with isoleucine.
Molecular consequence: missense variant.
Genome position (GRCh38, 1-based): chr1:216,289,342, C>T on the plus strand (G>A on the coding strand, the complement: USH2A is on the minus strand). VCF-style: chr1-216289342-C-T. GRCh37 (hg19) VCF-style: chr1-216462684-C-T.
Other names: c.1909G>A, p.Val637Ile (NM_007123.6); short protein forms V637I.
Identifiers: ClinVar variation 1471580 (VCV001471580.8), dbSNP rs2102606347, ClinGen allele CA344902770.

ClinVar aggregate classification (germline): Uncertain significance (1 of 4 stars; one submission).

Allele frequency attached by ClinVar (database versions not stated): gnomAD exomes below 0.00001.
gnomAD v4.1: 2 of 1,613,950 alleles (0.00012%); highest among the groups gnomAD compares: Non-Finnish European, 0.00017%; no homozygotes.

Submission:

Labcorp Genetics (formerly Invitae), Labcorp
Classification: Uncertain significance. Last evaluated: 2022-07-19. Review status: criteria provided, single submitter. Criteria: Invitae Variant Classification Sherloc (09022015). Collection method: clinical testing. Allele origin: germline.
Comment: In summary, the available evidence is currently insufficient to determine the role of this variant in disease. Therefore, it has been classified as a Variant of Uncertain Significance. Algorithms developed to predict the effect of missense changes on protein structure and function output the following: SIFT: "Tolerated"; PolyPhen-2: "Benign"; Align-GVGD: "Class C0". The isoleucine amino acid residue is found in multiple mammalian species, which suggests that this missense change does not adversely affect protein function. ClinVar contains an entry for this variant (Variation ID: 1471580). This variant has not been reported in the literature in individuals affected with USH2A-related conditions. This variant is not present in population databases (gnomAD no frequency). This sequence change replaces valine, which is neutral and non-polar, with isoleucine, which is neutral and non-polar, at codon 637 of the USH2A protein (p.Val637Ile).